The following is an entry in ClinVar:

ClinVar aggregate classification (germline): Likely pathogenic. Review status: criteria provided, multiple submitters, no conflicts (2 of 4 stars). 2 submissions from 2 submitters: Likely pathogenic (2). Last evaluated 2025-09-16.

Allele frequency attached by ClinVar (database versions not stated): ExAC 0.00001; gnomAD exomes 0.00001; TOPMed 0.00001.
gnomAD v4.1: 14 of 1,612,936 alleles (0.00087%); highest among the groups gnomAD compares: East Asian, 0.0022%; no homozygotes.

Submissions (2):

Labcorp Genetics (formerly Invitae), Labcorp
Classification: Likely pathogenic. Last evaluated: 2025-09-16. Review status: criteria provided, single submitter. Criteria: Invitae Variant Classification Sherloc (09022015). Collection method: clinical testing. Allele origin: germline.
Comment: This sequence change replaces valine, which is neutral and non-polar, with methionine, which is neutral and non-polar, at codon 47 of the ECHS1 protein (p.Val47Met). This variant is present in population databases (rs761774772, gnomAD 0.006%). This missense change has been observed in individual(s) with clinical features of mitochondrial short-chain enoyl-CoA hydratase 1 deficiency (PMID: 32800686). In at least one individual the data is consistent with being in trans (on the opposite chromosome) from a pathogenic variant. ClinVar contains an entry for this variant (Variation ID: 1929424). Invitae Evidence Modeling of protein sequence and biophysical properties (such as structural, functional, and spatial information, amino acid conservation, physicochemical variation, residue mobility, and thermodynamic stability) indicates that this missense variant is expected to disrupt ECHS1 protein function with a positive predictive value of 80%. In summary, the currently available evidence indicates that the variant is pathogenic, but additional data are needed to prove that conclusively. Therefore, this variant has been classified as Likely Pathogenic.

GeneDx
Classification: Likely pathogenic. Last evaluated: 2025-02-06. Review status: criteria provided, single submitter. Criteria: GeneDx Variant Classification Process June 2021. Collection method: clinical testing. Allele origin: germline. Affected: yes.
Comment: Not observed at significant frequency in large population cohorts (gnomAD); In silico analysis supports that this missense variant has a deleterious effect on protein structure/function; This variant is associated with the following publications: (PMID: 32988733, 35206276, 32800686)

Literature cited by the submitters: PubMed 32800686 (cited by Labcorp Genetics (formerly Invitae), Labcorp).

NM_004092.4(ECHS1):c.139G>A (p.Val47Met)

Gene: ECHS1 (enoyl-CoA hydratase, short chain 1; minus strand). Cytogenetic location: 10q26.3.
Variant type: single nucleotide variant.
Coding change: c.139G>A on transcript NM_004092.4 (MANE Select); coding-DNA position 139, G replaced by A.
Protein change: p.Val47Met; replaces valine 47 with methionine.
Molecular consequence: missense variant.
Genome position (GRCh38, 1-based): chr10:133,370,707, C>T on the plus strand (G>A on the coding strand, the complement: ECHS1 is on the minus strand). VCF-style: chr10-133370707-C-T. GRCh37 (hg19) VCF-style: chr10-135184211-C-T.
Other names: c.139G>A (NM_004092.3); short protein forms V47M.
Identifiers: ClinVar variation 1929424 (VCV001929424.6), dbSNP rs761774772, ClinGen allele CA5765866.
Genomic context (GRCh38, chr10:133,370,707, plus strand): 5'-CAATCAGGCCATCGCAAAGTGCATTGAGGGCCTTGGGGCGGTTCAGTTGGATCAACCCCA[C>T]GGTGTTATTCTTCCCTCTTTTTTCTGCGATGATGTACTCAAAGTTAGCACCTGGAGCAAG-3'
Protein context (NP_004083.3, residues 37-57): IAEKRGKNNT[Val47Met]GLIQLNRPKA